The following is an entry in ClinVar:

NM_000292.3(PHKA2):c.584del (p.Pro195fs)

Gene: PHKA2 (phosphorylase kinase regulatory subunit alpha 2; minus strand). Cytogenetic location: Xp22.13.
Variant type: Deletion.
Coding change: c.584del on transcript NM_000292.3 (MANE Select); coding-DNA position 584, one base deleted (C; older notation c.584delC).
Protein change: p.Pro195fs; shifts the reading frame from proline 195.
Molecular consequence: frameshift variant.
Genome position (GRCh38, 1-based): chrX:18,945,112, G deleted on the plus strand (C on the coding strand, the reverse complement: PHKA2 is on the minus strand); the first of 3 consecutive G bases (chrX:18,945,112-18,945,114); deleting any one gives the same sequence. VCF-style (leftmost placement, unchanged base first): chrX-18945111-CG-C. GRCh37 (hg19) VCF-style: chrX-18963229-CG-C.
Other names: short protein forms P195fs.
Identifiers: ClinVar variation 2770873 (VCV002770873.3), dbSNP rs2518487922, ClinGen allele CA2697552865.

ClinVar aggregate classification (germline): Pathogenic (1 of 4 stars; one submission).

Conditions:
Glycogen storage disease IXa1. Also called: LIVER GLYCOGENOSIS, X-LINKED, TYPE I; GLYCOGEN STORAGE DISEASE VIII; GSD VIII; Glycogen storage disease 8. Identifiers: Orphanet 264580, MedGen C3694531, MONDO:0010598, OMIM 306000.

Submission:

Labcorp Genetics (formerly Invitae), Labcorp
Classification: Pathogenic for Glycogen storage disease IXa1. Last evaluated: 2023-10-22. Review status: criteria provided, single submitter. Criteria: Invitae Variant Classification Sherloc (09022015). Collection method: clinical testing. Allele origin: germline.
Comment: This sequence change creates a premature translational stop signal (p.Pro195Argfs*3) in the PHKA2 gene. It is expected to result in an absent or disrupted protein product. Loss-of-function variants in PHKA2 are known to be pathogenic (PMID: 7711737, 10330341). This variant is not present in population databases (gnomAD no frequency). This variant has not been reported in the literature in individuals affected with PHKA2-related conditions. For these reasons, this variant has been classified as Pathogenic.

Literature cited by the submitters: PubMed 7711737; PubMed 10330341.